The following is an entry in ClinVar:

ClinVar aggregate classification (germline): Uncertain significance (1 of 4 stars; one submission).

Conditions:
Rhabdoid tumor predisposition syndrome 2 (RTPS2). Identifiers: Orphanet 231108, Orphanet 69077, MedGen C2750074, MONDO:0013224, OMIM 613325.

Submission:

Labcorp Genetics (formerly Invitae), Labcorp
Classification: Uncertain significance for Rhabdoid tumor predisposition syndrome 2. Last evaluated: 2023-05-24. Review status: criteria provided, single submitter. Criteria: Invitae Variant Classification Sherloc (09022015). Collection method: clinical testing. Allele origin: germline.
Comment: This sequence change replaces glycine, which is neutral and non-polar, with asparagine, which is neutral and polar, at codon 761 of the SMARCA4 protein (p.Gly761Asn). Information on the frequency of this variant in the gnomAD database is not available, as this variant may be reported differently in the database. This variant has not been reported in the literature in individuals affected with SMARCA4-related conditions. An algorithm developed to predict the effect of missense changes on protein structure and function (PolyPhen-2) suggests that this variant is likely to be disruptive. In summary, the available evidence is currently insufficient to determine the role of this variant in disease. Therefore, it has been classified as a Variant of Uncertain Significance.

NM_003072.5(SMARCA4):c.2281_2282delinsAA (p.Gly761Asn)

Gene: SMARCA4 (SWI/SNF related BAF chromatin remodeling complex subunit ATPase 4; plus strand). Cytogenetic location: 19p13.2.
Variant type: Indel.
Coding change: c.2281_2282delinsAA on transcript NM_003072.5 (MANE Select); coding-DNA positions 2281 to 2282, GG replaced by AA.
Protein change: p.Gly761Asn; replaces glycine 761 with asparagine.
Molecular consequence: missense variant. On other transcripts: non-coding transcript variant (1).
Genome position (GRCh38, 1-based): chr19:11,012,955-11,012,956, GG replaced by AA. VCF-style: chr19-11012955-GG-AA. GRCh37 (hg19) VCF-style: chr19-11123631-GG-AA.
Other names: c.2281_2282delinsAA, p.Gly761Asn (NM_001128844.3, NM_001128845.2, NM_001128846.2 and 6 more transcripts); short protein forms G761N.
Identifiers: ClinVar variation 2857617 (VCV002857617.3), dbSNP rs2514697037, ClinGen allele CA2739276473.